The following is an entry in ClinVar:

ClinVar aggregate classification (germline): Benign. Review status: criteria provided, multiple submitters, no conflicts (2 of 4 stars). 3 submissions from 3 submitters: Benign (3). Last evaluated 2026-02-01.

Conditions:
DRP2-related disorder. Also called: DRP2-related condition.

Allele frequency attached by ClinVar (database versions not stated): TOPMed 0.00730; 1000 Genomes Project 0.00742; 1000 Genomes Project 30x 0.00832; gnomAD 0.00909 and 0.00933; ESP Exome Variant Server 0.01022; ExAC 0.01199; gnomAD exomes 0.01199.
gnomAD v4.1: 16,379 of 1,210,319 alleles (1.4%); highest among the groups gnomAD compares: Middle Eastern, 2.2%; 97 homozygotes.

Submissions (3):

Labcorp Genetics (formerly Invitae), Labcorp
Classification: Benign. Last evaluated: 2026-02-01. Review status: criteria provided, single submitter. Criteria: Invitae Variant Classification Sherloc (09022015). Collection method: clinical testing. Allele origin: germline.

PreventionGenetics, part of Exact Sciences
Classification: Benign for DRP2-related condition. Last evaluated: 2025-02-21. Review status: criteria provided, single submitter. Criteria: ACMG Guidelines, 2015. Collection method: clinical testing. Allele origin: germline.
Comment: This variant is classified as benign based on ACMG/AMP sequence variant interpretation guidelines (Richards et al. 2015 PMID: 25741868, with internal and published modifications).

Breakthrough Genomics
Classification: Benign. Review status: criteria provided, single submitter. Criteria: ACMG Guidelines, 2015. Collection method: not provided. Allele origin: germline. Inheritance: Unknown mechanism. Affected: yes.

NM_001939.3(DRP2):c.180C>A (p.Ser60Arg)

Gene: DRP2 (dystrophin related protein 2; plus strand). Cytogenetic location: Xq22.1.
Variant type: single nucleotide variant.
Coding change: c.180C>A on transcript NM_001939.3 (MANE Select); coding-DNA position 180, C replaced by A.
Protein change: p.Ser60Arg; replaces serine 60 with arginine.
Molecular consequence: missense variant. On other transcripts: 5 prime UTR variant (1).
Genome position (GRCh38, 1-based): chrX:101,235,922, C>A. VCF-style: chrX-101235922-C-A. GRCh37 (hg19) VCF-style: chrX-100490911-C-A.
Other names: c.180C>A (NM_001939.2); c.-55C>A (NM_001171184.2); short protein forms S60R.
Identifiers: ClinVar variation 1607655 (VCV001607655.10), dbSNP rs34013624, ClinGen allele CA10472024.